The following is an entry in ClinVar:

ClinVar aggregate classification (germline): Conflicting classifications of pathogenicity. Review status: criteria provided, conflicting classifications (1 of 4 stars). 2 submissions from 2 submitters: Uncertain significance (1); Likely benign (1). Last evaluated 2024-12-16.

Allele frequency attached by ClinVar (database versions not stated): gnomAD exomes below 0.00001; TOPMed below 0.00001; ExAC 0.00001; gnomAD 0.00001.
gnomAD v4.1: 5 of 1,209,551 alleles (0.00041%); highest among the groups gnomAD compares: Non-Finnish European, 0.00056%; no homozygotes.

Submissions (2):

Labcorp Genetics (formerly Invitae), Labcorp
Classification: Uncertain significance. Last evaluated: 2024-12-16. Review status: criteria provided, single submitter. Criteria: Invitae Variant Classification Sherloc (09022015). Collection method: clinical testing. Allele origin: germline.
Comment: This sequence change replaces serine, which is neutral and polar, with alanine, which is neutral and non-polar, at codon 149 of the NDUFB11 protein (p.Ser149Ala). This variant is present in population databases (rs199837826, gnomAD 0.001%). This variant has not been reported in the literature in individuals affected with NDUFB11-related conditions. ClinVar contains an entry for this variant (Variation ID: 1437660). An algorithm developed to predict the effect of missense changes on protein structure and function (PolyPhen-2) suggests that this variant is likely to be disruptive. In summary, the available evidence is currently insufficient to determine the role of this variant in disease. Therefore, it has been classified as a Variant of Uncertain Significance.

CeGaT Center for Human Genetics Tuebingen
Classification: Likely benign. Last evaluated: 2022-09-01. Review status: criteria provided, single submitter. Criteria: CeGaT Center For Human Genetics Tuebingen Variant Classification Criteria Version 2. Collection method: clinical testing. Allele origin: germline. Affected: yes. Observed: 1 variant allele.
Comment: NDUFB11: BP4

NM_001135998.3(NDUFB11):c.415T>G (p.Ser139Ala)

Gene: NDUFB11 (NADH:ubiquinone oxidoreductase subunit B11; minus strand). Cytogenetic location: Xp11.3.
Variant type: single nucleotide variant.
Coding change: c.415T>G on transcript NM_001135998.3 (MANE Select); coding-DNA position 415, T replaced by G.
Protein change: p.Ser139Ala; replaces serine 139 with alanine.
Molecular consequence: missense variant.
Genome position (GRCh38, 1-based): chrX:47,142,364, A>C on the plus strand (T>G on the coding strand, the complement: NDUFB11 is on the minus strand). VCF-style: chrX-47142364-A-C. GRCh37 (hg19) VCF-style: chrX-47001763-A-C.
Other names: c.445T>G, p.Ser149Ala (NM_019056.7); short protein forms S139A, S149A.
Identifiers: ClinVar variation 1437660 (VCV001437660.29), dbSNP rs199837826, ClinGen allele CA10394878.
Genomic context (GRCh38, chrX:47,142,364, plus strand): 5'-ACTTAGCAACTGGTCACTCATCCTCTGGCAGCTGGATCTTGCTGGGGTCGAAGCAGTTGG[A>C]TTCCATGATGGGAAGGCCATTGGCCTCTCGGTATTTCACAAGCCTCTCAGCTTCGCGGCG-3'
Protein context (NP_001129470.1, residues 129-149): REANGLPIME[Ser139Ala]NCFDPSKIQL